The following is an entry in ClinVar:

NM_001039141.3(TRIOBP):c.5322+5364G>A

Gene: TRIOBP (TRIO and F-actin binding protein; plus strand). Cytogenetic location: 22q13.1.
Variant type: single nucleotide variant.
Coding change: c.5322+5364G>A on transcript NM_001039141.3 (MANE Select); 5364 bases into the intron after coding-DNA position 5322, G replaced by A.
Molecular consequence: intron variant. On other transcripts: synonymous variant (2).
Genome position (GRCh38, 1-based): chr22:37,746,396, G>A. VCF-style: chr22-37746396-G-A. GRCh37 (hg19) VCF-style: chr22-38142403-G-A.
Other names: c.159G>A, p.Pro53= (NM_007032.5, NM_138632.2).
Identifiers: ClinVar variation 3772378 (VCV003772378.13).

ClinVar aggregate classification (germline): Likely benign (1 of 4 stars; one submission).

Submission:

CeGaT Center for Human Genetics Tuebingen
Classification: Likely benign. Last evaluated: 2025-01-01. Review status: criteria provided, single submitter. Criteria: CeGaT Center For Human Genetics Tuebingen Variant Classification Criteria Version 2. Collection method: clinical testing. Allele origin: germline. Affected: yes. Observed: 1 variant allele.
Comment: TRIOBP: BP4, BP7